The following is an entry in ClinVar:

ClinVar aggregate classification (germline): Conflicting classifications of pathogenicity. Review status: criteria provided, conflicting classifications (1 of 4 stars). 4 submissions from 4 submitters: Uncertain significance (2); Likely benign (2). Last evaluated 2025-12-16.

Conditions:
Inborn genetic diseases. Identifiers: MedGen C0950123, MeSH D030342.

Allele frequency attached by ClinVar (database versions not stated): ESP Exome Variant Server 0.00008; TOPMed 0.00009; gnomAD exomes 0.00013; gnomAD 0.00015 and 0.00016; ExAC 0.00019.
gnomAD v4.1: 183 of 1,604,186 alleles (0.011%); highest among the groups gnomAD compares: Non-Finnish European, 0.014%; no homozygotes.

Submissions (4):

Labcorp Genetics (formerly Invitae), Labcorp
Classification: Uncertain significance. Last evaluated: 2025-12-16. Review status: criteria provided, single submitter. Criteria: Invitae Variant Classification Sherloc (09022015). Collection method: clinical testing. Allele origin: germline.
Comment: This sequence change replaces arginine, which is basic and polar, with serine, which is neutral and polar, at codon 424 of the DLL4 protein (p.Arg424Ser). This variant is present in population databases (rs373338394, gnomAD 0.03%), and has an allele count higher than expected for a pathogenic variant. This variant has not been reported in the literature in individuals affected with DLL4-related conditions. ClinVar contains an entry for this variant (Variation ID: 1411692). Invitae Evidence Modeling of protein sequence and biophysical properties (such as structural, functional, and spatial information, amino acid conservation, physicochemical variation, residue mobility, and thermodynamic stability) indicates that this missense variant is not expected to disrupt DLL4 protein function with a negative predictive value of 80%. In summary, the available evidence is currently insufficient to determine the role of this variant in disease. Therefore, it has been classified as a Variant of Uncertain Significance.

Laboratory of Genetics, Children's Clinical University Hospital Latvia
Classification: Likely benign. Last evaluated: 2025-02-16. Review status: criteria provided, single submitter. Criteria: ACMG Guidelines, 2015. Collection method: clinical testing. Allele origin: germline. Affected: yes.

Blueprint Genetics
Classification: Likely benign. Last evaluated: 2024-11-22. Review status: criteria provided, single submitter. Criteria: ACMG Guidelines, 2015. Collection method: clinical testing. Allele origin: germline.

Ambry Genetics
Classification: Uncertain significance for Inborn genetic diseases. Last evaluated: 2021-07-09. Review status: criteria provided, single submitter. Criteria: Ambry Variant Classification Scheme 2023. Collection method: clinical testing. Allele origin: germline.

NM_019074.4(DLL4):c.1270C>A (p.Arg424Ser)

Gene: DLL4 (delta like canonical Notch ligand 4; plus strand). Cytogenetic location: 15q15.1.
Variant type: single nucleotide variant.
Coding change: c.1270C>A on transcript NM_019074.4 (MANE Select); coding-DNA position 1270, C replaced by A.
Protein change: p.Arg424Ser; replaces arginine 424 with serine.
Molecular consequence: missense variant.
Genome position (GRCh38, 1-based): chr15:40,936,257, C>A. VCF-style: chr15-40936257-C-A. GRCh37 (hg19) VCF-style: chr15-41228455-C-A.
Other names: c.1270C>A (NM_019074.3); short protein forms R424S.
Identifiers: ClinVar variation 1411692 (VCV001411692.9), dbSNP rs373338394, ClinGen allele CA7487904.
Genomic context (GRCh38, chr15:40,936,257, plus strand): 5'-TCACTGACTTGTGTCTCATGCGTCCTCACAGGGGGACAGTGCCTGAACCGAGGTCCAAGC[C>A]GCATGTGCCGCTGCCGTCCTGGATTCACGGGCACCTACTGTGAACTCCACGTCAGCGACT-3'
Protein context (NP_061947.1, residues 414-434): GGQCLNRGPS[Arg424Ser]MCRCRPGFTG